The following is an entry in ClinVar:

NM_005475.3(SH2B3):c.1367T>A (p.Val456Asp)

Gene: SH2B3 (SH2B adaptor protein 3; plus strand). Cytogenetic location: 12q24.12.
Variant type: single nucleotide variant.
Coding change: c.1367T>A on transcript NM_005475.3 (MANE Select); coding-DNA position 1367, T replaced by A.
Protein change: p.Val456Asp; replaces valine 456 with aspartic acid.
Molecular consequence: missense variant.
Genome position (GRCh38, 1-based): chr12:111,447,786, T>A. VCF-style: chr12-111447786-T-A. GRCh37 (hg19) VCF-style: chr12-111885590-T-A.
Other names: c.761T>A, p.Val254Asp (NM_001291424.1); short protein forms V254D, V456D.
Identifiers: ClinVar variation 3953479 (VCV003953479.1).

ClinVar aggregate classification (germline): Uncertain significance (1 of 4 stars; one submission).

Conditions:
Inborn genetic diseases. Identifiers: MedGen C0950123, MeSH D030342.

Submission:

Ambry Genetics
Classification: Uncertain significance for Inborn genetic diseases. Last evaluated: 2025-04-29. Review status: criteria provided, single submitter. Criteria: Ambry Variant Classification Scheme 2023. Collection method: clinical testing. Allele origin: germline.
Comment: The p.V456D variant (also known as c.1367T>A), located in coding exon 6 of the SH2B3 gene, results from a T to A substitution at nucleotide position 1367. The valine at codon 456 is replaced by aspartic acid, an amino acid with highly dissimilar properties. This amino acid position is conserved. In addition, this alteration is predicted to be deleterious by in silico analysis. Based on the available evidence, the clinical significance of this variant remains unclear.